The following is an entry in ClinVar:

ClinVar aggregate classification (germline): Uncertain significance (1 of 4 stars; one submission).

Conditions:
Xeroderma pigmentosum, group F (XPF). Also called: XERODERMA PIGMENTOSUM, COMPLEMENTATION GROUP F; XERODERMA PIGMENTOSUM VI; XP, GROUP F; ERCC4-Related Xeroderma Pigmentosum; XERODERMA PIGMENTOSUM, TYPE F; Xeroderma pigmentosum, type 6. Identifiers: MedGen C0268140, MONDO:0010215, OMIM 278760.
Cockayne syndrome. Identifiers: Orphanet 191, MedGen C0009207, MONDO:0016006.
Fanconi anemia complementation group Q. Identifiers: Orphanet 84, MedGen C3808988, MONDO:0014108, OMIM 615272.

Submission:

Labcorp Genetics (formerly Invitae), Labcorp
Classification: Uncertain significance for Fanconi anemia complementation group Q; Xeroderma pigmentosum, group F; Cockayne syndrome. Last evaluated: 2024-04-30. Review status: criteria provided, single submitter. Criteria: Invitae Variant Classification Sherloc (09022015). Collection method: clinical testing. Allele origin: germline.
Comment: This sequence change replaces asparagine, which is neutral and polar, with aspartic acid, which is acidic and polar, at codon 738 of the ERCC4 protein (p.Asn738Asp). This variant is not present in population databases (gnomAD no frequency). This variant has not been reported in the literature in individuals affected with ERCC4-related conditions. ClinVar contains an entry for this variant (Variation ID: 861566). Advanced modeling of protein sequence and biophysical properties (such as structural, functional, and spatial information, amino acid conservation, physicochemical variation, residue mobility, and thermodynamic stability) performed at Invitae indicates that this missense variant is not expected to disrupt ERCC4 protein function with a negative predictive value of 80%. In summary, the available evidence is currently insufficient to determine the role of this variant in disease. Therefore, it has been classified as a Variant of Uncertain Significance.

NM_005236.3(ERCC4):c.2212A>G (p.Asn738Asp)

Gene: ERCC4 (ERCC excision repair 4, endonuclease catalytic subunit; plus strand). Cytogenetic location: 16p13.12.
Variant type: single nucleotide variant.
Coding change: c.2212A>G on transcript NM_005236.3 (MANE Select); coding-DNA position 2212, A replaced by G.
Protein change: p.Asn738Asp; replaces asparagine 738 with aspartic acid.
Molecular consequence: missense variant.
Genome position (GRCh38, 1-based): chr16:13,947,808, A>G. VCF-style: chr16-13947808-A-G. GRCh37 (hg19) VCF-style: chr16-14041665-A-G.
Other names: short protein forms N738D.
Identifiers: ClinVar variation 861566 (VCV000861566.9), dbSNP rs2032546331, ClinGen allele CA394822528.
Genomic context (GRCh38, chr16:13,947,808, plus strand): 5'-CTCACTCCAGAAATGTGCGTGGAGCGCAAGAGTATCAGTGATTTAATCGGCTCTTTAAAT[A>G]ACGGCCGCCTCTACAGCCAGTGCATCTCCATGTCCCGCTACTACAAGCGTCCCGTGCTTC-3'
Protein context (NP_005227.1, residues 728-748): SISDLIGSLN[Asn738Asp]GRLYSQCISM